The following is an entry in ClinVar:

NM_001018115.3(FANCD2):c.2661del (p.Glu888fs)

Genes: FANCD2 (FA complementation group D2; plus strand), LOC107303338 (3p25 FANCD2 Alu-mediated recombination region; plus strand). Cytogenetic location: 3p25.3.
Variant type: Deletion.
Coding change: c.2661del on transcript NM_001018115.3 (MANE Select); coding-DNA position 2661, one base deleted (A; older notation c.2661delA).
Protein change: p.Glu888fs; shifts the reading frame from glutamic acid 888.
Molecular consequence: frameshift variant.
Genome position (GRCh38, 1-based): chr3:10,073,308, A deleted; the last of 2 consecutive A bases (chr3:10,073,307-10,073,308); deleting either gives the same sequence. VCF-style (leftmost placement, unchanged base first): chr3-10073306-GA-G. GRCh37 (hg19) VCF-style: chr3-10114990-GA-G.
Other names: c.2661del, p.Glu888fs (NM_001319984.2, NM_001374254.1, NM_033084.6); c.2550del, p.Glu851fs (NM_001374253.1); c.2661del (NM_033084.3, NM_033084.4); short protein forms E851fs, E888fs.
Identifiers: ClinVar variation 929662 (VCV000929662.7), dbSNP rs762544228, ClinGen allele CA70018934.

ClinVar aggregate classification (germline): Pathogenic. Review status: criteria provided, multiple submitters, no conflicts (2 of 4 stars). 5 submissions from 5 submitters: Pathogenic (4). 1 of the submissions does not count toward it. Last evaluated 2025-04-17.

Conditions:
Fanconi anemia (FA). Also called: Fanconi's anemia. Identifiers: Orphanet 84, MedGen C0015625, MeSH D005199, MONDO:0019391.
Fanconi anemia complementation group D2. Also called: FANCD2-Related Fanconi Anemia; FANCONI PANCYTOPENIA, TYPE 4; FANCONI ANEMIA, COMPLEMENTATION GROUP D. Identifiers: Orphanet 84, MedGen C3160738, MONDO:0009214, OMIM 227646.

Submissions (5):

GeneDx
Classification: Pathogenic. Last evaluated: 2025-04-17. Review status: criteria provided, single submitter. Criteria: GeneDx Variant Classification Process June 2021. Collection method: clinical testing. Allele origin: germline. Affected: yes.
Comment: Frameshift variant predicted to result in protein truncation or nonsense mediated decay in a gene for which loss of function is a known mechanism of disease; Not observed at significant frequency in large population cohorts (gnomAD); This variant is associated with the following publications: (PMID: 17436244)

Labcorp Genetics (formerly Invitae), Labcorp
Classification: Pathogenic for Fanconi anemia. Last evaluated: 2024-06-02. Review status: criteria provided, single submitter. Criteria: Invitae Variant Classification Sherloc (09022015). Collection method: clinical testing. Allele origin: germline.
Comment: This sequence change creates a premature translational stop signal (p.Glu888Argfs*16) in the FANCD2 gene. It is expected to result in an absent or disrupted protein product. Loss-of-function variants in FANCD2 are known to be pathogenic (PMID: 17436244). This variant is present in population databases (rs762544228, gnomAD 0.0009%). This premature translational stop signal has been observed in individual(s) with clinical features of Fanconi anemia (PMID: 17436244). ClinVar contains an entry for this variant (Variation ID: 929662). Algorithms developed to predict the effect of sequence changes on RNA splicing suggest that this variant may disrupt the consensus splice site. For these reasons, this variant has been classified as Pathogenic.

Fulgent Genetics
Classification: Pathogenic for Fanconi anemia complementation group D2. Last evaluated: 2024-05-22. Review status: criteria provided, single submitter. Criteria: ACMG Guidelines, 2015. Collection method: clinical testing. Allele origin: germline.

Baylor Genetics
Classification: Pathogenic for Fanconi anemia complementation group D2. Last evaluated: 2023-09-27. Review status: criteria provided, single submitter. Criteria: ACMG Guidelines, 2015. Collection method: clinical testing. Allele origin: unknown.

Leiden Open Variation Database
Classification: Pathogenic for Fanconi anemia complementation group D2. Last evaluated: 2020-02-28. Review status: no assertion criteria provided. Collection method: curation. Allele origin: germline. Affected: yes. Not counted in ClinVar's aggregate classification.
Comment: Curator: Arleen D. Auerbach. Submitter to LOVD: Arleen D. Auerbach.

Literature cited by the submitters: PubMed 17436244 (cited by Labcorp Genetics (formerly Invitae), Labcorp and Leiden Open Variation Database).